The following is an entry in ClinVar:

NM_000141.5(FGFR2):c.989G>A (p.Arg330Gln)

Gene: FGFR2 (fibroblast growth factor receptor 2; minus strand). Cytogenetic location: 10q26.13.
Variant type: single nucleotide variant.
Coding change: c.989G>A on transcript NM_000141.5 (MANE Select); coding-DNA position 989, G replaced by A.
Protein change: p.Arg330Gln; replaces arginine 330 with glutamine.
Molecular consequence: missense variant. On other transcripts: non-coding transcript variant (1), intron variant (5).
Genome position (GRCh38, 1-based): chr10:121,517,414, C>T on the plus strand (G>A on the coding strand, the complement: FGFR2 is on the minus strand). VCF-style: chr10-121517414-C-T. GRCh37 (hg19) VCF-style: chr10-123276928-C-T.
Other names: c.722G>A, p.Arg241Gln (NM_001144915.2, NM_023029.3); c.644G>A, p.Arg215Gln (NM_001144916.2, NM_001144918.2); c.305G>A, p.Arg102Gln (NM_001320654.2); c.989G>A, p.Arg330Gln (NM_001320658.2); c.749-2095G>A (NM_001144914.1); c.939+2565G>A (NM_001144917.2); c.1087+1268G>A (NM_022970.4, NM_001144913.1); c.820+1268G>A (NM_001144919.2); short protein forms R330Q, R102Q, R241Q, R215Q.
Identifiers: ClinVar variation 577711 (VCV000577711.19), dbSNP rs199757302, ClinGen allele CA5720881.

ClinVar aggregate classification (germline): Conflicting classifications of pathogenicity. Review status: criteria provided, conflicting classifications (1 of 4 stars). 10 submissions from 5 submitters: Uncertain significance (4); Benign (3); Likely benign (3). Last evaluated 2025-12-31.

Conditions:
Jackson-Weiss syndrome (JWS). Also called: CRANIOSYNOSTOSIS, MIDFACIAL HYPOPLASIA, AND FOOT ABNORMALITIES. Identifiers: Orphanet 1540, MedGen C0795998, MONDO:0007400, OMIM 123150. Disease mechanism: loss of function.
Bent bone dysplasia syndrome 1 (BBDS1). Also called: FGFR2-related bent bone dysplasia. Identifiers: Orphanet 313855, MedGen C3281247, MONDO:0013815, OMIM 614592.
LADD syndrome 1 (LADD1). Also called: Lacrimoauriculodentodigital syndrome 1. Identifiers: MedGen C5774323, MONDO:0100302, OMIM 149730.
Acrocephalosyndactyly type I (ACS1). Also called: Apert syndrome; Acrocephalo-syndactyly type 1; ACS 1; Syndactylic oxycephaly. Identifiers: Orphanet 87, MedGen C0001193, MONDO:0007041, OMIM 101200.
Crouzon syndrome. Also called: CRANIOFACIAL DYSOSTOSIS, TYPE I; Craniofacial dysostosis; Craniofacial dysostosis type 1; Crouzon craniofacial dysostosis; Crouzon disease. Identifiers: Orphanet 207, MedGen C0010273, MeSH D003394, MONDO:0007405, OMIM 123500, HP:0004439.
Saethre-Chotzen syndrome (SCS). Also called: ACROCEPHALY, SKULL ASYMMETRY, AND MILD SYNDACTYLY; ACS III; CHOTZEN SYNDROME. Identifiers: Orphanet 794, MedGen C0175699, MONDO:0007042, OMIM 101400.
Familial scaphocephaly syndrome, McGillivray type. Also called: SCAPHOCEPHALY, MAXILLARY RETRUSION, AND IMPAIRED INTELLECTUAL DEVELOPMENT. Identifiers: Orphanet 168624, MedGen C1865070, MONDO:0012307, OMIM 609579.
Gastric cancer. Also called: Malignant tumor of stomach; Stomach cancer. Identifiers: MedGen C0024623, MeSH D013274, MONDO:0001056, OMIM 613659, HP:0012126.
Beare-Stevenson cutis gyrata syndrome (BSTVS). Identifiers: Orphanet 1555, MedGen C1852406, MONDO:0007412, OMIM 123790.
Pfeiffer syndrome (ACS5). Also called: ACS V. Identifiers: Orphanet 710, MedGen C0220658, MONDO:0007043, OMIM 101600.
Antley-Bixler syndrome without genital anomalies or disordered steroidogenesis (ABS2). Also called: Trapezoidocephaly synostosis syndrome; Osteodysgenesis, multisynostotic with fractures; MULTISYNOSTOTIC OSTEODYSGENESIS WITH LONG BONE FRACTURES; Antley-Bixler Syndrome, Autosomal Dominant. Identifiers: Orphanet 596008, Orphanet 83, MedGen C2936791, MONDO:0020667, OMIM 207410.
Levy-Hollister syndrome (LADD). Also called: LADD syndrome. Identifiers: Orphanet 2363, MedGen C0265269, MONDO:0007872.
Neoplasm of stomach. Also called: Stomach Neoplasms; Neoplasm of the stomach; Gastric neoplasm. Identifiers: MedGen C0038356, MONDO:0021085, HP:0006753. Disease mechanism: gain of function. Inheritance: Somatic mutation.
Isolated Coronal Synostosis. Identifiers: MedGen CN043619.
FGFR2-related craniosynostosis. Identifiers: MedGen CN231480.
Craniosynostosis syndrome. Also called: Craniosynostosis. Identifiers: Orphanet 1531, MedGen C0010278, MeSH D003398, MONDO:0015469, HP:0001363.

Allele frequency attached by ClinVar (database versions not stated): gnomAD exomes 0.00001 and 0.00002; ExAC 0.00002; TOPMed 0.00008; gnomAD 0.00011; 1000 Genomes Project 30x 0.00016; 1000 Genomes Project 0.00020.

Submissions (10):

Women's Health and Genetics/Laboratory Corporation of America, LabCorp
Classification: Uncertain significance. Last evaluated: 2025-12-31. Review status: criteria provided, single submitter. Criteria: LabCorp Variant Classification Summary - May 2015. Collection method: clinical testing. Allele origin: germline.
Comment: Variant summary: FGFR2 c.989G>A (p.Arg330Gln) results in a conservative amino acid change in the encoded protein sequence. Algorithms developed to predict the effect of missense changes on protein structure and function are either unavailable or do not agree on the potential impact of this missense change. The variant allele was found at a frequency of 2e-05 in 251444 control chromosomes. The available data on variant occurrences in the general population are insufficient to allow any conclusion about variant significance. To our knowledge, no occurrence of c.989G>A in individuals affected with FGFR2-related conditions and no experimental evidence demonstrating its impact on protein function have been reported. ClinVar contains an entry for this variant (Variation ID: 577711). Based on the evidence outlined above, the variant was classified as uncertain significance.

Labcorp Genetics (formerly Invitae), Labcorp
Classification: Uncertain significance for FGFR2-related craniosynostosis. Last evaluated: 2025-10-23. Review status: criteria provided, single submitter. Criteria: Invitae Variant Classification Sherloc (09022015). Collection method: clinical testing. Allele origin: germline.
Comment: This sequence change replaces arginine, which is basic and polar, with glutamine, which is neutral and polar, at codon 330 of the FGFR2 protein (p.Arg330Gln). This variant is present in population databases (rs199757302, gnomAD 0.02%). This variant has not been reported in the literature in individuals affected with FGFR2-related conditions. ClinVar contains an entry for this variant (Variation ID: 577711). Invitae Evidence Modeling of protein sequence and biophysical properties (such as structural, functional, and spatial information, amino acid conservation, physicochemical variation, residue mobility, and thermodynamic stability) indicates that this missense variant is not expected to disrupt FGFR2 protein function with a negative predictive value of 80%. In summary, the available evidence is currently insufficient to determine the role of this variant in disease. Therefore, it has been classified as a Variant of Uncertain Significance.

Fulgent Genetics
Classification: Likely benign for Acrocephalosyndactyly type I; Saethre-Chotzen syndrome; Pfeiffer syndrome; Jackson-Weiss syndrome; Crouzon syndrome; Beare-Stevenson cutis gyrata syndrome; LADD syndrome 1; Antley-Bixler syndrome without genital anomalies or disordered steroidogenesis; Familial scaphocephaly syndrome, McGillivray type; Gastric cancer; Bent bone dysplasia syndrome 1. Last evaluated: 2024-06-03. Review status: criteria provided, single submitter. Criteria: ACMG Guidelines, 2015. Collection method: clinical testing. Allele origin: germline.

GeneDx
Classification: Likely benign. Last evaluated: 2020-06-09. Review status: criteria provided, single submitter. Criteria: GeneDx Variant Classification Process June 2021. Collection method: clinical testing. Allele origin: germline. Affected: yes.

Fulgent Genetics
Classification: Uncertain significance for Acrocephalosyndactyly type I; Saethre-Chotzen syndrome; Pfeiffer syndrome; Jackson-Weiss syndrome; Crouzon syndrome; Beare-Stevenson cutis gyrata syndrome; LADD syndrome 1; Antley-Bixler syndrome without genital anomalies or disordered steroidogenesis; Familial scaphocephaly syndrome, McGillivray type; Gastric cancer; Bent bone dysplasia syndrome 1. Last evaluated: 2018-10-31. Review status: criteria provided, single submitter. Criteria: ACMG Guidelines, 2015. Collection method: clinical testing. Allele origin: unknown.

Illumina Laboratory Services, Illumina
Classification: Benign for Crouzon syndrome. Last evaluated: 2018-01-12. Review status: criteria provided, single submitter. Criteria: ICSL Variant Classification Criteria 13 December 2019. Collection method: clinical testing. Allele origin: germline.
Comment: This variant was observed in the ICSL laboratory as part of a predisposition screen in an ostensibly healthy population. It had not been previously curated by ICSL or reported in the Human Gene Mutation Database (HGMD: prior to June 1st, 2018), and was therefore a candidate for classification through an automated scoring system. Utilizing variant allele frequency, disease prevalence and penetrance estimates, and inheritance mode, an automated score was calculated to assess if this variant is too frequent to cause the disease. Based on the score and internal cut-off values, a variant classified as benign is not then subjected to further curation. The score for this variant resulted in a classification of benign for this disease.

Illumina Laboratory Services, Illumina
Classification: Uncertain significance for Isolated coronal synostosis. Last evaluated: 2018-01-12. Review status: criteria provided, single submitter. Criteria: ICSL Variant Classification Criteria 13 December 2019. Collection method: clinical testing. Allele origin: germline.

Illumina Laboratory Services, Illumina
Classification: Likely benign for Saethre-Chotzen syndrome. Last evaluated: 2018-01-12. Review status: criteria provided, single submitter. Criteria: ICSL Variant Classification Criteria 13 December 2019. Collection method: clinical testing. Allele origin: germline.
Comment: This variant was observed in the ICSL laboratory as part of a predisposition screen in an ostensibly healthy population. It had not been previously curated by ICSL or reported in the Human Gene Mutation Database (HGMD: prior to June 1st, 2018), and was therefore a candidate for classification through an automated scoring system. Utilizing variant allele frequency, disease prevalence and penetrance estimates, and inheritance mode, an automated score was calculated to assess if this variant is too frequent to cause the disease. Based on the score and internal cut-off values, a variant classified as likely benign is not then subjected to further curation. The score for this variant resulted in a classification of likely benign for this disease.

Illumina Laboratory Services, Illumina
Classification: Benign for Craniosynostosis. Last evaluated: 2018-01-12. Review status: criteria provided, single submitter. Criteria: ICSL Variant Classification Criteria 13 December 2019. Collection method: clinical testing. Allele origin: germline.
Comment: the same text as in the submission from Illumina Laboratory Services, Illumina above.

Illumina Laboratory Services, Illumina
Classification: Benign for Beare-Stevenson cutis gyrata syndrome. Last evaluated: 2018-01-12. Review status: criteria provided, single submitter. Criteria: ICSL Variant Classification Criteria 13 December 2019. Collection method: clinical testing. Allele origin: germline.
Comment: the same text as in the submission from Illumina Laboratory Services, Illumina above.

Literature cited by the submitters: PubMed 40227035 (cited by Women's Health and Genetics/Laboratory Corporation of America, LabCorp).